The following is an entry in ClinVar:

ClinVar aggregate classification (germline): Uncertain significance. Review status: criteria provided, multiple submitters, no conflicts (2 of 4 stars). 7 submissions from 7 submitters: Uncertain significance (7). Last evaluated 2026-01-05.

Conditions:
Hereditary cancer-predisposing syndrome. Also called: Neoplastic Syndromes, Hereditary; Hereditary neoplastic syndrome; Tumor predisposition; Hereditary Cancer Syndrome. Identifiers: Orphanet 140162, MedGen C0027672, MeSH D009386, MONDO:0015356.
Hereditary pheochromocytoma and paraganglioma. Also called: Hereditary Paraganglioma-Pheochromocytoma Syndromes; Hereditary paragangliomas and pheochromocytomas; Hereditary pheochromocytoma-paraganglioma. Identifiers: Orphanet 29072, MedGen C4274332, MONDO:0017366.
Pheochromocytoma. Also called: MAX-Related Hereditary Paraganglioma-Pheochromocytoma Syndrome. Identifiers: Orphanet 29072, MedGen C0031511, MONDO:0008233, OMIM 171300, HP:0002666.

Allele frequency attached by ClinVar (database versions not stated): ExAC 0.00001; gnomAD 0.00002; gnomAD exomes 0.00002 and 0.00003; TOPMed 0.00002.

Submissions (7):

Labcorp Genetics (formerly Invitae), Labcorp
Classification: Uncertain significance for Hereditary pheochromocytoma and paraganglioma. Last evaluated: 2026-01-05. Review status: criteria provided, single submitter. Criteria: Invitae Variant Classification Sherloc (09022015). Collection method: clinical testing. Allele origin: germline.
Comment: This sequence change replaces valine, which is neutral and non-polar, with isoleucine, which is neutral and non-polar, at codon 143 of the TMEM127 protein (p.Val143Ile). This variant is present in population databases (rs772153618, gnomAD 0.006%). This variant has not been reported in the literature in individuals affected with TMEM127-related conditions. ClinVar contains an entry for this variant (Variation ID: 463847). An algorithm developed to predict the effect of missense changes on protein structure and function (PolyPhen-2) suggests that this variant is likely to be tolerated. In summary, the available evidence is currently insufficient to determine the role of this variant in disease. Therefore, it has been classified as a Variant of Uncertain Significance.

Women's Health and Genetics/Laboratory Corporation of America, LabCorp
Classification: Uncertain significance. Last evaluated: 2025-09-16. Review status: criteria provided, single submitter. Criteria: LabCorp Variant Classification Summary - May 2015. Collection method: clinical testing. Allele origin: germline.
Comment: Variant summary: TMEM127 c.427G>A (p.Val143Ile) results in a conservative amino acid change in the encoded protein sequence. Algorithms developed to predict the effect of missense changes on protein structure and function are either unavailable or do not agree on the potential impact of this missense change. The variant allele was found at a frequency of 2.4e-05 in 251144 control chromosomes (gnomAD). The available data on variant occurrences in the general population are insufficient to allow any conclusion about variant significance. c.427G>A has been observed in one individual affected with familial adenomatous polyposis (Henn_2019). The report does not provide unequivocal conclusions about association of the variant with Hereditary Paraganglioma-Pheochromocytoma Syndrome. To our knowledge, no experimental evidence demonstrating an impact on protein function has been reported. The following publication have been ascertained in the context of this evaluation (PMID: 30680046). ClinVar contains an entry for this variant (Variation ID: 463847). Based on the evidence outlined above, the variant was classified as uncertain significance.

GeneDx
Classification: Uncertain significance. Last evaluated: 2025-07-16. Review status: criteria provided, single submitter. Criteria: GeneDx Variant Classification Process June 2021. Collection method: clinical testing. Allele origin: germline. Affected: yes.
Comment: In silico analysis suggests that this missense variant does not alter protein structure/function; Has not been previously published as pathogenic or benign to our knowledge; This variant is associated with the following publications: (PMID: 21156949, PerreaultF2025[poster])

Ambry Genetics
Classification: Uncertain significance for Hereditary cancer-predisposing syndrome. Last evaluated: 2024-01-31. Review status: criteria provided, single submitter. Criteria: Ambry Variant Classification Scheme 2023. Collection method: clinical testing. Allele origin: germline.
Comment: The p.V143I variant (also known as c.427G>A), located in coding exon 3 of the TMEM127 gene, results from a G to A substitution at nucleotide position 427. The valine at codon 143 is replaced by isoleucine, an amino acid with highly similar properties. This amino acid position is highly conserved in available vertebrate species. In addition, the in silico prediction for this alteration is inconclusive. Based on the available evidence, the clinical significance of this alteration remains unclear.

Baylor Genetics
Classification: Uncertain significance for Pheochromocytoma. Last evaluated: 2023-08-21. Review status: criteria provided, single submitter. Criteria: ACMG Guidelines, 2015. Collection method: clinical testing. Allele origin: unknown.

Quest Diagnostics Nichols Institute San Juan Capistrano
Classification: Uncertain significance. Last evaluated: 2023-02-17. Review status: criteria provided, single submitter. Criteria: Quest Diagnostics criteria. Collection method: clinical testing. Allele origin: unknown.
Comment: The variant has not been reported in the published literature. The frequency of this variant in the general population, 0.000023 (3/128968 chromosomes), is uninformative in assessment of its pathogenicity. Analysis of this variant using bioinformatics tools for the prediction of the effect of amino acid changes on protein structure and function yielded predictions that this variant is benign. Based on the available information, we are unable to determine the clinical significance of this variant.

Fulgent Genetics
Classification: Uncertain significance for Pheochromocytoma. Last evaluated: 2018-10-31. Review status: criteria provided, single submitter. Criteria: ACMG Guidelines, 2015. Collection method: clinical testing. Allele origin: unknown.

Literature cited by the submitters: PubMed 30680046 (cited by Women's Health and Genetics/Laboratory Corporation of America, LabCorp).

NM_017849.4(TMEM127):c.427G>A (p.Val143Ile)

Gene: TMEM127 (transmembrane protein 127; minus strand). Cytogenetic location: 2q11.2.
Variant type: single nucleotide variant.
Coding change: c.427G>A on transcript NM_017849.4 (MANE Select); coding-DNA position 427, G replaced by A.
Protein change: p.Val143Ile; replaces valine 143 with isoleucine.
Molecular consequence: missense variant.
Genome position (GRCh38, 1-based): chr2:96,254,098, C>T on the plus strand (G>A on the coding strand, the complement: TMEM127 is on the minus strand). VCF-style: chr2-96254098-C-T. GRCh37 (hg19) VCF-style: chr2-96919836-C-T.
Other names: c.427G>A, p.Val143Ile (NM_001193304.3); short protein forms V143I.
Identifiers: ClinVar variation 463847 (VCV000463847.19), dbSNP rs772153618, ClinGen allele CA1777304.